The following is an entry in ClinVar:

NM_000059.4(BRCA2):c.476-3dup

Gene: BRCA2 (BRCA2 DNA repair associated; plus strand). Cytogenetic location: 13q13.1.
Variant type: Duplication.
Coding change: c.476-3dup on transcript NM_000059.4 (MANE Select); 3 bases into the intron before coding-DNA position 476, one base duplicated (C; older notation c.476-3dupC).
Molecular consequence: intron variant.
Genome position (GRCh38, 1-based): chr13:32,326,239, C duplicated; the last of 5 consecutive C bases (chr13:32,326,235-32,326,239); duplicating any one gives the same sequence. VCF-style (leftmost placement, unchanged base first): chr13-32326234-A-AC. GRCh37 (hg19) VCF-style: chr13-32900371-A-AC.
Identifiers: ClinVar variation 1169708 (VCV001169708.10), dbSNP rs2137450186, ClinGen allele CA2499222036.

ClinVar aggregate classification (germline): Benign. Review status: criteria provided, single submitter (1 of 4 stars). 2 submissions from 2 submitters: Benign (1). 1 of the submissions does not count toward it. Last evaluated 2019-03-06.

Conditions:
Hereditary breast ovarian cancer syndrome. Also called: Hereditary breast and ovarian cancer syndrome; Hereditary breast and/or ovarian cancer syndrome; BRCA1- and BRCA2-Associated Hereditary Breast and Ovarian Cancer; Hereditary breast and ovarian cancer syndrome (HBOC); Breast and ovarian cancer; Hereditary breast and ovarian cancer. Identifiers: Orphanet 145, MedGen C0677776, MeSH D061325, MONDO:0003582. Disease mechanism: loss of function.
Breast-ovarian cancer, familial, susceptibility to, 2 (BROVCA2). Also called: BRCA2 Hereditary Breast and Ovarian Cancer. Identifiers: Orphanet 145, MedGen C2675520, MONDO:0012933, OMIM 612555. Disease mechanism: loss of function.

Submissions (2):

Labcorp Genetics (formerly Invitae), Labcorp
Classification: Benign for Hereditary breast ovarian cancer syndrome. Last evaluated: 2019-03-06. Review status: criteria provided, single submitter. Criteria: Invitae Variant Classification Sherloc (09022015). Collection method: clinical testing. Allele origin: germline.

Department of Medical and Surgical Sciences, University of Bologna
Classification: Uncertain significance for Breast-ovarian cancer, familial, susceptibility to, 2. Last evaluated: 2023-09-01. Review status: no assertion criteria provided. Collection method: clinical testing. Allele origin: germline. Affected: yes. Not counted in ClinVar's aggregate classification.
Comment: BP4(Supporting) according to ACMG/AMP classification guidelines specified for BRCA1 & BRCA2 (Classification Criteria V1.0.0 2023-09-08) (PMID: 38160042)